The following is an entry in ClinVar:

ClinVar aggregate classification (germline): Pathogenic/Likely pathogenic. Review status: criteria provided, multiple submitters, no conflicts (2 of 4 stars). 2 submissions from 2 submitters: Pathogenic (1); Likely pathogenic (1). Last evaluated 2024-05-06.

Conditions:
Glutaric aciduria, type 1. Also called: GA I; Glutaricacidemia Type 1; Glutaric acidemia type I; Glutaryl-CoA dehydrogenase deficiency; Glutaricaciduria, type I; Glutaric Acidemia Type 1. Identifiers: Orphanet 25, MedGen C0268595, MONDO:0009281, OMIM 231670.

Submissions (2):

Labcorp Genetics (formerly Invitae), Labcorp
Classification: Pathogenic for Glutaric aciduria, type 1. Last evaluated: 2024-05-06. Review status: criteria provided, single submitter. Criteria: Invitae Variant Classification Sherloc (09022015). Collection method: clinical testing. Allele origin: germline.
Comment: This sequence change replaces tyrosine, which is neutral and polar, with cysteine, which is neutral and slightly polar, at codon 155 of the GCDH protein (p.Tyr155Cys). This variant is not present in population databases (gnomAD no frequency). This missense change has been observed in individual(s) with glutaric acidemia type 1 (PMID: 21176883). This variant is also known as 461A>G. ClinVar contains an entry for this variant (Variation ID: 2138245). Advanced modeling of protein sequence and biophysical properties (such as structural, functional, and spatial information, amino acid conservation, physicochemical variation, residue mobility, and thermodynamic stability) performed at Invitae indicates that this missense variant is not expected to disrupt GCDH protein function with a negative predictive value of 80%. This variant disrupts the p.Tyr155 amino acid residue in GCDH. Other variant(s) that disrupt this residue have been determined to be pathogenic (PMID: 10960496, 17622945). This suggests that this residue is clinically significant, and that variants that disrupt this residue are likely to be disease-causing. For these reasons, this variant has been classified as Pathogenic.

Baylor Genetics
Classification: Likely pathogenic for Glutaric aciduria, type 1. Last evaluated: 2023-10-14. Review status: criteria provided, single submitter. Criteria: ACMG Guidelines, 2015. Collection method: clinical testing. Allele origin: unknown.

Literature cited by the submitters: PubMed 21176883 (cited by Labcorp Genetics (formerly Invitae), Labcorp); PubMed 10960496 (cited by Labcorp Genetics (formerly Invitae), Labcorp); PubMed 17622945 (cited by Labcorp Genetics (formerly Invitae), Labcorp).

NM_000159.4(GCDH):c.464A>G (p.Tyr155Cys)

Gene: GCDH (glutaryl-CoA dehydrogenase; plus strand). Cytogenetic location: 19p13.13.
Variant type: single nucleotide variant.
Coding change: c.464A>G on transcript NM_000159.4 (MANE Select); coding-DNA position 464, A replaced by G.
Protein change: p.Tyr155Cys; replaces tyrosine 155 with cysteine.
Molecular consequence: missense variant. On other transcripts: non-coding transcript variant (2).
Genome position (GRCh38, 1-based): chr19:12,893,612, A>G. VCF-style: chr19-12893612-A-G. GRCh37 (hg19) VCF-style: chr19-13004426-A-G.
Other names: c.464A>G, p.Tyr155Cys (NM_013976.5); short protein forms Y155C.
Identifiers: ClinVar variation 2138245 (VCV002138245.5), dbSNP rs2512568101, ClinGen allele CA404317604.